The following is an entry in ClinVar:

NM_001918.5(DBT):c.143_146dup (p.His49fs)

Gene: DBT (dihydrolipoamide branched chain transacylase E2; minus strand). Cytogenetic location: 1p21.2.
Variant type: Duplication.
Coding change: c.143_146dup on transcript NM_001918.5 (MANE Select); coding-DNA positions 143 to 146, 4 bases duplicated (GTCA; older notation c.143_146dupGTCA).
Protein change: p.His49fs; shifts the reading frame from histidine 49.
Molecular consequence: frameshift variant.
Genome position (GRCh38, 1-based): chr1:100,240,790-100,240,793, TGAC duplicated on the plus strand (GTCA on the coding strand, the reverse complement: DBT is on the minus strand); duplicating any 4 consecutive bases within chr1:100,240,790-100,240,794 gives the same sequence; the c. name uses the placement nearest the transcript's 3' end. VCF-style (leftmost placement, unchanged base first): chr1-100240789-A-ATGAC. GRCh37 (hg19) VCF-style: chr1-100706345-A-ATGAC.
Other names: short protein forms H49fs.
Identifiers: ClinVar variation 1354525 (VCV001354525.8), dbSNP rs1384034981, ClinGen allele CA524721804.

ClinVar aggregate classification (germline): Pathogenic/Likely pathogenic. Review status: criteria provided, multiple submitters, no conflicts (2 of 4 stars). 3 submissions from 3 submitters: Pathogenic (2); Likely pathogenic (1). Last evaluated 2026-07-15.

Conditions:
Maple syrup urine disease (MSUD). Identifiers: Orphanet 511, MedGen C0024776, MeSH D008375, MONDO:0009563. Disease mechanism: loss of function.
Maple syrup urine disease type 2 (MSUD2). Also called: Maple syrup urine disease, type II. Identifiers: MedGen C1855371, MONDO:0023693, OMIM 620699.

Submissions (3):

Myriad Genetics, Inc.
Classification: Pathogenic for Maple syrup urine disease type 2. Last evaluated: 2026-07-15. Review status: criteria provided, single submitter. Criteria: Myriad Autosomal Dominant, Autosomal Recessive and X-Linked Classification Criteria (2023). Collection method: clinical testing. Allele origin: unknown.
Comment: NM_001918.3(DBT):c.143_146dupGTCA(H49Qfs*30) is a frameshift variant classified as pathogenic in the context of maple syrup urine disease type II. H49Qfs*30 has not been observed in cases with relevant disease. Relevant functional assessments of this variant are not available in the literature. H49Qfs*30 has been observed in referenced population frequency databases. In summary, NM_001918.3(DBT):c.143_146dupGTCA(H49Qfs*30) is a frameshift variant in a gene where loss of function is a known mechanism of disease and is predicted to disrupt protein function. Please note: this variant was assessed in the context of healthy population screening.

Labcorp Genetics (formerly Invitae), Labcorp
Classification: Pathogenic for Maple syrup urine disease. Last evaluated: 2023-12-01. Review status: criteria provided, single submitter. Criteria: Invitae Variant Classification Sherloc (09022015). Collection method: clinical testing. Allele origin: germline.
Comment: This sequence change creates a premature translational stop signal (p.His49Glnfs*30) in the DBT gene. It is expected to result in an absent or disrupted protein product. Loss-of-function variants in DBT are known to be pathogenic (PMID: 16579849, 16786533). This variant is present in population databases (no rsID available, gnomAD 0.006%). This variant has not been reported in the literature in individuals affected with DBT-related conditions. ClinVar contains an entry for this variant (Variation ID: 1354525). For these reasons, this variant has been classified as Pathogenic.

Baylor Genetics
Classification: Likely pathogenic for Maple syrup urine disease type 1A. Last evaluated: 2023-05-22. Review status: criteria provided, single submitter. Criteria: ACMG Guidelines, 2015. Collection method: clinical testing. Allele origin: unknown.

Literature cited by the submitters: PubMed 16579849 (cited by Labcorp Genetics (formerly Invitae), Labcorp); PubMed 16786533 (cited by Labcorp Genetics (formerly Invitae), Labcorp).